The following is an entry in ClinVar:

ClinVar aggregate classification (germline): Uncertain significance. Review status: criteria provided, multiple submitters, no conflicts (2 of 4 stars). 5 submissions from 5 submitters: Uncertain significance (4). 1 of the submissions does not count toward it. Last evaluated 2024-10-25.

Conditions:
Retinitis pigmentosa (RP). Identifiers: Orphanet 791, MedGen C0035334, MeSH D012174, MONDO:0019200, OMIM 268000. Inheritance: Autosomal dominant, autosomal recessive and X linked inheritance.
Retinitis pigmentosa 25 (RP25). Identifiers: Orphanet 791, MedGen C1864446, MONDO:0011272, OMIM 602772.

Allele frequency attached by ClinVar (database versions not stated): TOPMed 0.00002; gnomAD exomes 0.00003.
gnomAD v4.1: 46 of 1,520,878 alleles (0.003%); highest among the groups gnomAD compares: Non-Finnish European, 0.0039%; no homozygotes.

Submissions (5):

Blueprint Genetics
Classification: Uncertain significance. Last evaluated: 2024-10-25. Review status: criteria provided, single submitter. Criteria: ACMG Guidelines, 2015. Collection method: clinical testing. Allele origin: germline.

Labcorp Genetics (formerly Invitae), Labcorp
Classification: Uncertain significance. Last evaluated: 2024-10-15. Review status: criteria provided, single submitter. Criteria: Invitae Variant Classification Sherloc (09022015). Collection method: clinical testing. Allele origin: germline.
Comment: This sequence change replaces asparagine, which is neutral and polar, with aspartic acid, which is acidic and polar, at codon 953 of the EYS protein (p.Asn953Asp). This variant is present in population databases (no rsID available, gnomAD 0.009%). This variant has not been reported in the literature in individuals affected with EYS-related conditions. ClinVar contains an entry for this variant (Variation ID: 864270). Invitae Evidence Modeling of protein sequence and biophysical properties (such as structural, functional, and spatial information, amino acid conservation, physicochemical variation, residue mobility, and thermodynamic stability) indicates that this missense variant is not expected to disrupt EYS protein function with a negative predictive value of 80%. In summary, the available evidence is currently insufficient to determine the role of this variant in disease. Therefore, it has been classified as a Variant of Uncertain Significance.

CeGaT Center for Human Genetics Tuebingen
Classification: Uncertain significance. Last evaluated: 2024-02-01. Review status: criteria provided, single submitter. Criteria: CeGaT Center For Human Genetics Tuebingen Variant Classification Criteria Version 2. Collection method: clinical testing. Allele origin: germline. Affected: yes. Observed: 1 variant allele.
Comment: EYS: PM2, BP4

Illumina Laboratory Services, Illumina
Classification: Uncertain significance for Retinitis pigmentosa. Last evaluated: 2018-01-13. Review status: criteria provided, single submitter. Criteria: ICSL Variant Classification Criteria 13 December 2019. Collection method: clinical testing. Allele origin: germline.

Natera, Inc.
Classification: Uncertain significance for Retinitis pigmentosa type 25. Last evaluated: 2021-01-19. Review status: no assertion criteria provided. Collection method: clinical testing. Allele origin: germline. Not counted in ClinVar's aggregate classification.

NM_001142800.2(EYS):c.2857A>G (p.Asn953Asp)

Gene: EYS (EGF-like photoreceptor maintenance factor; minus strand). Cytogenetic location: 6q12.
Variant type: single nucleotide variant.
Coding change: c.2857A>G on transcript NM_001142800.2 (MANE Select); coding-DNA position 2857, A replaced by G.
Protein change: p.Asn953Asp; replaces asparagine 953 with aspartic acid.
Molecular consequence: missense variant.
Genome position (GRCh38, 1-based): chr6:64,886,832, T>C on the plus strand (A>G on the coding strand, the complement: EYS is on the minus strand). VCF-style: chr6-64886832-T-C. GRCh37 (hg19) VCF-style: chr6-65596725-T-C.
Other names: c.2857A>G, p.Asn953Asp (NM_001292009.2); short protein forms N953D.
Identifiers: ClinVar variation 864270 (VCV000864270.31), dbSNP rs1326644818, ClinGen allele CA364788901.